The following is an entry in ClinVar:

NM_000059.4(BRCA2):c.10176del (p.Glu3393fs)

Gene: BRCA2 (BRCA2 DNA repair associated; plus strand). Cytogenetic location: 13q13.1.
Variant type: Deletion.
Coding change: c.10176del on transcript NM_000059.4 (MANE Select); coding-DNA position 10176, one base deleted (A; older notation c.10176delA).
Protein change: p.Glu3393fs; shifts the reading frame from glutamic acid 3393.
Molecular consequence: frameshift variant.
Genome position (GRCh38, 1-based): chr13:32,398,689, A deleted; the last of 3 consecutive A bases (chr13:32,398,687-32,398,689); deleting any one gives the same sequence. VCF-style (leftmost placement, unchanged base first): chr13-32398686-CA-C. GRCh37 (hg19) VCF-style: chr13-32972823-CA-C.
Other names: 10404delA; c.10176delA (NM_000059.3); short protein forms E3393fs.
Identifiers: ClinVar variation 37723 (VCV000037723.61), dbSNP rs80359258, ClinGen allele CA010429.

ClinVar aggregate classification (germline): Conflicting classifications of pathogenicity. Review status: criteria provided, conflicting classifications (1 of 4 stars). 9 submissions from 9 submitters: Uncertain significance (5); Likely benign (2). 2 of the submissions do not count toward it. Last evaluated 2025-04-17.

Conditions:
BRCA2-related cancer predisposition. Identifiers: MedGen CN377758, MONDO:0700269.
Hereditary cancer-predisposing syndrome. Also called: Neoplastic Syndromes, Hereditary; Tumor predisposition; Hereditary Cancer Syndrome; Hereditary neoplastic syndrome. Identifiers: Orphanet 140162, MedGen C0027672, MeSH D009386, MONDO:0015356.
Hereditary breast ovarian cancer syndrome. Also called: Hereditary breast and ovarian cancer; Breast and ovarian cancer; Hereditary breast and/or ovarian cancer syndrome; Hereditary breast and ovarian cancer syndrome (HBOC); Hereditary breast and ovarian cancer syndrome; BRCA1- and BRCA2-Associated Hereditary Breast and Ovarian Cancer. Identifiers: Orphanet 145, MedGen C0677776, MeSH D061325, MONDO:0003582. Disease mechanism: loss of function.
Breast-ovarian cancer, familial, susceptibility to, 2 (BROVCA2). Also called: BRCA2 Hereditary Breast and Ovarian Cancer. Identifiers: Orphanet 145, MedGen C2675520, MONDO:0012933, OMIM 612555. Disease mechanism: loss of function.

Submissions (9):

Ambry Genetics
Classification: Uncertain significance for Hereditary cancer-predisposing syndrome. Last evaluated: 2025-04-17. Review status: criteria provided, single submitter. Criteria: Ambry Variant Classification Scheme 2023. Collection method: clinical testing. Allele origin: germline.
Comment: The c.10176delA variant, located in coding exon 26 of the BRCA2 gene, results from a deletion of one nucleotide at nucleotide position 10176, causing a translational frameshift with a predicted alternate stop codon (p.E3393Nfs*34). Frameshifts are typically deleterious in nature; however, this frameshift occurs at the 3' terminus of BRCA2, is not expected to trigger nonsense-mediated mRNA decay, and impacts only the last 26 amino acids of the protein in addition to elongating the protein by 7 amino acids. The exact functional impact of these altered amino acids is unknown at this time. Since supporting evidence is limited at this time, the clinical significance of this alteration remains unclear.

German Consortium for Hereditary Breast and Ovarian Cancer, University Hospital Cologne
Classification: Likely benign for Hereditary breast ovarian cancer syndrome. Last evaluated: 2025-02-17. Review status: criteria provided, single submitter. Criteria: ClinGen BRCA2 V1.1.0. Collection method: curation. Allele origin: germline.
Comment: A missense or nonsense variant predicted to modify or truncate protein sequence at residues from position p.3309 onwards is considered highly unlikely to be clinically important as a high-risk variant

Labcorp Genetics (formerly Invitae), Labcorp
Classification: Uncertain significance for Hereditary breast ovarian cancer syndrome. Last evaluated: 2024-06-19. Review status: criteria provided, single submitter. Criteria: Invitae Variant Classification Sherloc (09022015). Collection method: clinical testing. Allele origin: germline.
Comment: This sequence change results in a frameshift in the BRCA2 gene (p.Glu3393Asnfs*34). While this is not anticipated to result in nonsense mediated decay, it is expected to disrupt the last 26 amino acid(s) of the BRCA2 protein and extend the protein by 7 additional amino acid residues. This variant is present in population databases (rs746515020, gnomAD 0.0009%). This frameshift has been observed in individual(s) with melanoma (PMID: 29625052, 36451132). ClinVar contains an entry for this variant (Variation ID: 37723). In summary, the available evidence is currently insufficient to determine the role of this variant in disease. Therefore, it has been classified as a Variant of Uncertain Significance.

All of Us Research Program, National Institutes of Health
Classification: Uncertain significance for BRCA2-related cancer predisposition. Last evaluated: 2024-03-14. Review status: criteria provided, single submitter. Criteria: ACMG Guidelines, 2015. Collection method: clinical testing. Allele origin: germline. Inheritance: Autosomal dominant inheritance. Observed: 1 variant allele, 1 heterozygote.
Comment: This variant deletes 1 nucleotide in exon 27 of the BRCA2 gene, causing a frameshift in the last exon and addition of 33 amino acids before introducing a stop codon. This results in a protein product that is 7 nucleotides longer than the normal protein product. To our knowledge, this variant has not been reported in individuals affected with BRCA2-related disorders in the literature. This variant has been identified in 1/251132 chromosomes in the general population by the Genome Aggregation Database (gnomAD). The available evidence is insufficient to determine the role of this variant in disease conclusively. Therefore, this variant is classified as a Variant of Uncertain Significance.

This study involves interpretation of variants in research participants for the purpose of population health screening. Participant phenotype was not available at the time of variant classification. Additional details can be found in publication PMID: 35346344, PMCID: PMC8962531

CeGaT Center for Human Genetics Tuebingen
Classification: Uncertain significance. Last evaluated: 2022-10-01. Review status: criteria provided, single submitter. Criteria: CeGaT Center For Human Genetics Tuebingen Variant Classification Criteria Version 2. Collection method: clinical testing. Allele origin: germline. Affected: yes. Observed: 3 variant alleles.
Comment: BRCA2: PM2, PVS1:Supporting

ARUP Laboratories, Molecular Genetics and Genomics, ARUP Laboratories
Classification: Uncertain significance. Last evaluated: 2021-10-01. Review status: criteria provided, single submitter. Criteria: ARUP Molecular Germline Variant Investigation Process 2021. Collection method: clinical testing. Allele origin: germline.
Comment: The BRCA2 c.10176delA; p.Glu3393AsnfsTer34 variant (rs80359258) is reported in the literature in a large cancer cohort, but without clear association with disease (Huang 2018). This variant is also reported in ClinVar (Variation ID: 37723), but is only observed on one allele in the Genome Aggregation Database, indicating it is not a common polymorphism. This variant results in a premature termination codon in the last exon of the BRCA2 gene. This may not lead to nonsense-mediated decay, and it is expected to create a truncated BRCA2 protein only missing the last 26 amino acids of the protein that would include a sequence of 7 amino acid residues not usually present. Due to limited information, the clinical significance of the p.Glu3393AsnfsTer34 variant is uncertain at this time. References: Huang et al. Pathogenic Germline Variants in 10,389 Adult Cancers. Cell. 2018 Apr 5;173(2):355-370.e14. PMID: 29625052.

GeneDx
Classification: Likely benign. Last evaluated: 2017-09-26. Review status: criteria provided, single submitter. Criteria: GeneDx Variant Classification (06012015). Collection method: clinical testing. Allele origin: germline. Affected: yes.
Comment: This variant is considered likely benign or benign based on one or more of the following criteria: it is a conservative change, it occurs at a poorly conserved position in the protein, it is predicted to be benign by multiple in silico algorithms, and/or has population frequency not consistent with disease.

Sharing Clinical Reports Project (SCRP)
Classification: Benign for Breast-ovarian cancer, familial 2. Last evaluated: 2006-06-29. Review status: no assertion criteria provided. Collection method: clinical testing. Allele origin: germline. Not counted in ClinVar's aggregate classification.

Breast Cancer Information Core (BIC) (BRCA2)
Classification: Uncertain significance for Breast-ovarian cancer, familial 2. Last evaluated: 2002-05-29. Review status: no assertion criteria provided. Collection method: clinical testing. Allele origin: germline. Affected: yes. Observed: 2 variant alleles. Not counted in ClinVar's aggregate classification.

Literature cited by the submitters: PubMed 29625052 (cited by Labcorp Genetics (formerly Invitae), Labcorp); PubMed 36451132 (cited by Labcorp Genetics (formerly Invitae), Labcorp).